The following is an entry in ClinVar:

NM_030787.4(CFHR5):c.-20T>C

Gene: CFHR5 (complement factor H related 5; plus strand). Cytogenetic location: 1q31.3.
Variant type: single nucleotide variant.
Coding change: c.-20T>C on transcript NM_030787.4 (MANE Select); 20 bases upstream of the start codon, T replaced by C.
Molecular consequence: 5 prime UTR variant.
Genome position (GRCh38, 1-based): chr1:196,977,645, T>C. VCF-style: chr1-196977645-T-C. GRCh37 (hg19) VCF-style: chr1-196946775-T-C.
Identifiers: ClinVar variation 294531 (VCV000294531.13), dbSNP rs9427662, ClinGen allele CA1307579.

ClinVar aggregate classification (germline): Benign/Likely benign. Review status: criteria provided, multiple submitters, no conflicts (2 of 4 stars). 8 submissions from 8 submitters: Benign (7); Likely benign (1). Last evaluated 2026-01-21.

Conditions:
CFH-Related Dense Deposit Disease / Membranoproliferative Glomerulonephritis Type II. Identifiers: MedGen CN071292.
Atypical hemolytic-uremic syndrome. Identifiers: Orphanet 2134, MedGen C2931788, MONDO:0016244.
CFHR5 deficiency. Identifiers: MedGen C3553720.

Allele frequency attached by ClinVar (database versions not stated): gnomAD exomes 0.09850 and 0.10311; ExAC 0.11084; 1000 Genomes Project 0.17692; gnomAD 0.18357 and 0.19169; 1000 Genomes Project 30x 0.18770; TOPMed 0.19576; ESP Exome Variant Server 0.20517.
gnomAD v4.1: 170,543 of 1,596,032 alleles (11%); highest among the groups gnomAD compares: African/African-American, 44%; 14,105 homozygotes.

Submissions (8):

Women's Health and Genetics/Laboratory Corporation of America, LabCorp
Classification: Benign. Last evaluated: 2026-01-21. Review status: criteria provided, single submitter. Criteria: LabCorp Variant Classification Summary - May 2015. Collection method: clinical testing. Allele origin: germline.

Blueprint Genetics
Classification: Likely benign. Last evaluated: 2024-11-26. Review status: criteria provided, single submitter. Criteria: ACMG Guidelines, 2015. Collection method: clinical testing. Allele origin: germline.

Genome-Nilou Lab
Classification: Benign for C3 glomerulonephritis. Last evaluated: 2023-04-11. Review status: criteria provided, single submitter. Criteria: ACMG Guidelines, 2015. Collection method: clinical testing. Allele origin: germline. Affected: no.

Genome Diagnostics Laboratory, The Hospital for Sick Children
Classification: Benign for Atypical hemolytic-uremic syndrome. Last evaluated: 2022-10-05. Review status: criteria provided, single submitter. Criteria: ACMG Guidelines, 2015. Collection method: clinical testing. Allele origin: germline.

GeneDx
Classification: Benign. Last evaluated: 2018-11-11. Review status: criteria provided, single submitter. Criteria: GeneDx Variant Classification Process June 2021. Collection method: clinical testing. Allele origin: germline. Affected: yes.
Comment: This variant is associated with the following publications: (PMID: 21784901, 16299065)

Mayo Clinic Laboratories, Mayo Clinic
Classification: Benign. Last evaluated: 2018-04-21. Review status: criteria provided, single submitter. Criteria: ACMG Guidelines, 2015. Collection method: clinical testing. Allele origin: germline. Observed: 318 variant alleles.

Illumina Laboratory Services, Illumina
Classification: Benign for Membranoproliferative glomerulonephritis with complement factor h deficiency. Last evaluated: 2018-03-06. Review status: criteria provided, single submitter. Criteria: ICSL Variant Classification Criteria 13 December 2019. Collection method: clinical testing. Allele origin: germline.
Comment: This variant was observed in the ICSL laboratory as part of a predisposition screen in an ostensibly healthy population. It had not been previously curated by ICSL or reported in the Human Gene Mutation Database (HGMD: prior to June 1st, 2018), and was therefore a candidate for classification through an automated scoring system. Utilizing variant allele frequency, disease prevalence and penetrance estimates, and inheritance mode, an automated score was calculated to assess if this variant is too frequent to cause the disease. Based on the score and internal cut-off values, a variant classified as benign is not then subjected to further curation. The score for this variant resulted in a classification of benign for this disease.

Breakthrough Genomics
Classification: Benign. Review status: criteria provided, single submitter. Criteria: ACMG Guidelines, 2015. Collection method: not provided. Allele origin: germline. Inheritance: Autosomal dominant inheritance. Affected: yes.